The following is an entry in ClinVar:

ClinVar aggregate classification (germline): Uncertain significance. Review status: criteria provided, multiple submitters, no conflicts (2 of 4 stars). 2 submissions from 2 submitters: Uncertain significance (2). Last evaluated 2025-10-15.

Conditions:
Hereditary cancer-predisposing syndrome. Also called: Tumor predisposition; Hereditary Cancer Syndrome; Hereditary neoplastic syndrome; Neoplastic Syndromes, Hereditary. Identifiers: Orphanet 140162, MedGen C0027672, MeSH D009386, MONDO:0015356.
Oligodontia-cancer predisposition syndrome. Also called: TOOTH AGENESIS-COLORECTAL CANCER SYNDROME. Identifiers: Orphanet 300576, MedGen C1837750, MONDO:0012075, OMIM 608615. Disease mechanism: loss of function.

Submissions (2):

Ambry Genetics
Classification: Uncertain significance for Hereditary cancer-predisposing syndrome. Last evaluated: 2025-10-15. Review status: criteria provided, single submitter. Criteria: Ambry Variant Classification Scheme 2023. Collection method: clinical testing. Allele origin: germline.
Comment: The p.A705T variant (also known as c.2113G>A), located in coding exon 7 of the AXIN2 gene, results from a G to A substitution at nucleotide position 2113. The alanine at codon 705 is replaced by threonine, an amino acid with similar properties. This amino acid position is conserved. In addition, this alteration is predicted to be tolerated by in silico analysis. Since supporting evidence is limited at this time, the clinical significance of this alteration remains unclear.

Labcorp Genetics (formerly Invitae), Labcorp
Classification: Uncertain significance for Oligodontia-cancer predisposition syndrome. Last evaluated: 2025-03-19. Review status: criteria provided, single submitter. Criteria: Invitae Variant Classification Sherloc (09022015). Collection method: clinical testing. Allele origin: germline.
Comment: This sequence change replaces alanine, which is neutral and non-polar, with threonine, which is neutral and polar, at codon 705 of the AXIN2 protein (p.Ala705Thr). This variant is not present in population databases (gnomAD no frequency). This variant has not been reported in the literature in individuals affected with AXIN2-related conditions. ClinVar contains an entry for this variant (Variation ID: 1481776). Invitae Evidence Modeling of protein sequence and biophysical properties (such as structural, functional, and spatial information, amino acid conservation, physicochemical variation, residue mobility, and thermodynamic stability) indicates that this missense variant is not expected to disrupt AXIN2 protein function with a negative predictive value of 80%. In summary, the available evidence is currently insufficient to determine the role of this variant in disease. Therefore, it has been classified as a Variant of Uncertain Significance.

NM_004655.4(AXIN2):c.2113G>A (p.Ala705Thr)

Gene: AXIN2 (axin 2; minus strand). Cytogenetic location: 17q24.1.
Variant type: single nucleotide variant.
Coding change: c.2113G>A on transcript NM_004655.4 (MANE Select); coding-DNA position 2113, G replaced by A.
Protein change: p.Ala705Thr; replaces alanine 705 with threonine.
Molecular consequence: missense variant.
Genome position (GRCh38, 1-based): chr17:65,536,348, C>T on the plus strand (G>A on the coding strand, the complement: AXIN2 is on the minus strand). VCF-style: chr17-65536348-C-T. GRCh37 (hg19) VCF-style: chr17-63532466-C-T.
Other names: c.1918G>A, p.Ala640Thr (NM_001363813.1); short protein forms A640T, A705T.
Identifiers: ClinVar variation 1481776 (VCV001481776.11), dbSNP rs1598096617, ClinGen allele CA400675961.